The following is an entry in ClinVar:

NM_001009944.3(PKD1):c.6293A>T (p.Asp2098Val)

Gene: PKD1 (polycystin 1, transient receptor potential channel interacting; minus strand). Cytogenetic location: 16p13.3.
Variant type: single nucleotide variant.
Coding change: c.6293A>T on transcript NM_001009944.3 (MANE Select); coding-DNA position 6293, A replaced by T.
Protein change: p.Asp2098Val; replaces aspartic acid 2098 with valine.
Molecular consequence: missense variant.
Genome position (GRCh38, 1-based): chr16:2,108,874, T>A on the plus strand (A>T on the coding strand, the complement: PKD1 is on the minus strand). VCF-style: chr16-2108874-T-A. GRCh37 (hg19) VCF-style: chr16-2158875-T-A.
Other names: p.Asp2098Val; c.6293A>T, p.Asp2098Val (NM_000296.4); short protein forms D2098V.
Identifiers: ClinVar variation 3380354 (VCV003380354.2).

ClinVar aggregate classification (germline): Conflicting classifications of pathogenicity. Review status: criteria provided, conflicting classifications (1 of 4 stars). 2 submissions from 2 submitters: Likely pathogenic (1); Uncertain significance (1). Last evaluated 2024-01-24.

Conditions:
Polycystic kidney disease, adult type (PKD1). Also called: POLYCYSTIC KIDNEY DISEASE, ADULT, TYPE I; Polycystic Kidney Disease 1, Autosomal Dominant; Polycystic kidney disease 1; Polycystic kidney disease 1, severe; Polycystic Kidney, Autosomal Dominant; POLYCYSTIC KIDNEY DISEASE 1 WITH OR WITHOUT POLYCYSTIC LIVER DISEASE. Identifiers: MedGen C3149841, MONDO:0008263, OMIM 173900.

Submissions (2):

Fulgent Genetics
Classification: Likely pathogenic for Polycystic kidney disease, adult type. Last evaluated: 2024-01-24. Review status: criteria provided, single submitter. Criteria: ACMG Guidelines, 2015. Collection method: clinical testing. Allele origin: germline.

Mayo Clinic Laboratories, Mayo Clinic
Classification: Uncertain significance. Last evaluated: 2023-08-30. Review status: criteria provided, single submitter. Criteria: ACMG Guidelines, 2015. Collection method: clinical testing. Allele origin: germline. Observed: 2 variant alleles.
Comment: PP3, PM2, PM5

Literature cited by the submitters: PubMed 27499327 (cited by Mayo Clinic Laboratories, Mayo Clinic); PubMed 35778421 (cited by Mayo Clinic Laboratories, Mayo Clinic).